The following is an entry in ClinVar:

ClinVar aggregate classification (germline): Uncertain significance. Review status: criteria provided, multiple submitters, no conflicts (2 of 4 stars). 2 submissions from 2 submitters: Uncertain significance (2). Last evaluated 2025-06-11.

Conditions:
Long QT syndrome 1 (LQT1). Identifiers: Orphanet 101016, Orphanet 768, MedGen C4551647, MONDO:0100316, OMIM 192500, MONDO:0008646.

Allele frequency attached by ClinVar (database versions not stated): gnomAD exomes below 0.00001; ExAC 0.00001.
gnomAD v4.1: 2 of 1,604,030 alleles (0.00012%); highest among the groups gnomAD compares: East Asian, 0.0022%; no homozygotes.

Submissions (2):

GeneDx
Classification: Uncertain significance. Last evaluated: 2025-06-11. Review status: criteria provided, single submitter. Criteria: GeneDx Variant Classification Process June 2021. Collection method: clinical testing. Allele origin: germline. Affected: yes.
Comment: Not observed at significant frequency in large population cohorts (gnomAD); In silico analysis supports that this missense variant has a deleterious effect on protein structure/function; Has not been previously published as pathogenic or benign to our knowledge

Labcorp Genetics (formerly Invitae), Labcorp
Classification: Uncertain significance for Long QT syndrome 1. Last evaluated: 2022-12-18. Review status: criteria provided, single submitter. Criteria: Invitae Variant Classification Sherloc (09022015). Collection method: clinical testing. Allele origin: germline.
Comment: This sequence change replaces threonine, which is neutral and polar, with methionine, which is neutral and non-polar, at codon 111 of the CALM3 protein (p.Thr111Met). The frequency data for this variant in the population databases is considered unreliable, as metrics indicate poor data quality at this position in the gnomAD database. This variant has not been reported in the literature in individuals affected with CALM3-related conditions. Algorithms developed to predict the effect of missense changes on protein structure and function (SIFT, PolyPhen-2, Align-GVGD) all suggest that this variant is likely to be disruptive. In summary, the available evidence is currently insufficient to determine the role of this variant in disease. Therefore, it has been classified as a Variant of Uncertain Significance.

NM_005184.4(CALM3):c.332C>T (p.Thr111Met)

Gene: CALM3 (calmodulin 3; plus strand). Cytogenetic location: 19q13.32.
Variant type: single nucleotide variant.
Coding change: c.332C>T on transcript NM_005184.4 (MANE Select); coding-DNA position 332, C replaced by T.
Protein change: p.Thr111Met; replaces threonine 111 with methionine.
Molecular consequence: missense variant.
Genome position (GRCh38, 1-based): chr19:46,608,892, C>T. VCF-style: chr19-46608892-C-T. GRCh37 (hg19) VCF-style: chr19-47112149-C-T.
Other names: c.224C>T, p.Thr75Met (NM_001329921.1, NM_001329923.1, NM_001329924.2 and 2 more transcripts); c.332C>T, p.Thr111Met (NM_001329922.1); c.332C>T (NM_005184.2); short protein forms T111M, T75M.
Identifiers: ClinVar variation 2867732 (VCV002867732.4), dbSNP rs764512871, ClinGen allele CA9529823.
Genomic context (GRCh38, chr19:46,608,892, plus strand): 5'-TCCCCAACCCCCAGGATGGGAATGGCTACATCAGCGCCGCAGAGCTGCGTCACGTAATGA[C>T]GAACCTGGGGGAGAAGCTGACCGATGAGGAGGTGGATGAGATGATCAGGGAGGCTGACAT-3'
Protein context (NP_005175.2, residues 101-121): ISAAELRHVM[Thr111Met]NLGEKLTDEE